The following is an entry in ClinVar:

NC_000023.10:g.(?_153129318)_(153131294_?)del

Gene: L1CAM (L1 cell adhesion molecule; minus strand). Cytogenetic location: Xq28.
Variant type: Deletion.
Identifiers: ClinVar variation 1075508 (VCV001075508.7).

ClinVar aggregate classification (germline): Pathogenic (1 of 4 stars; one submission).

Conditions:
Spastic paraplegia. Identifiers: MedGen C0037772, HP:0001258.

Submission:

Labcorp Genetics (formerly Invitae), Labcorp
Classification: Pathogenic for Spastic paraplegia. Last evaluated: 2016-10-01. Review status: criteria provided, single submitter. Criteria: Invitae Variant Classification Sherloc (09022015). Collection method: clinical testing. Allele origin: germline.
Comment: This finding is consistent with X-linked recessive inheritance, and suggests that this variant contributes to disease. While this particular variant has not been reported in the literature, loss-of-function variants in L1CAM are known to be pathogenic (PMID: 23820807). This variant is a gross deletion of the genomic region encompassing exons 19-25 of the L1CAM gene. This leads to an in-frame deletion, preserving the integrity of the reading frame. For these reasons, this variant has been classified as Pathogenic.

Literature cited by the submitters: PubMed 23820807.